The following is an entry in ClinVar:

NM_002292.4(LAMB2):c.4943G>T (p.Gly1648Val)

Gene: LAMB2 (laminin subunit beta 2; minus strand). Cytogenetic location: 3p21.31.
Variant type: single nucleotide variant.
Coding change: c.4943G>T on transcript NM_002292.4 (MANE Select); coding-DNA position 4943, G replaced by T.
Protein change: p.Gly1648Val; replaces glycine 1648 with valine.
Molecular consequence: missense variant.
Genome position (GRCh38, 1-based): chr3:49,121,841, C>A on the plus strand (G>T on the coding strand, the complement: LAMB2 is on the minus strand). VCF-style: chr3-49121841-C-A. GRCh37 (hg19) VCF-style: chr3-49159274-C-A.
Other names: short protein forms G1648V.
Identifiers: ClinVar variation 2114566 (VCV002114566.4), dbSNP rs1271985841, ClinGen allele CA352685973.

ClinVar aggregate classification (germline): Uncertain significance (1 of 4 stars; one submission).

Conditions:
LAMB2-related infantile-onset nephrotic syndrome. Also called: NEPHROTIC SYNDROME, TYPE 5, WITHOUT OCULAR ABNORMALITIES; NEPHROTIC SYNDROME, TYPE 5, WITH OCULAR ABNORMALITIES; Nephrotic Syndrome, type 5. Identifiers: Orphanet 306507, MedGen C3280113, MONDO:0013621, OMIM 614199.
Pierson syndrome. Also called: MICROCORIA-CONGENITAL NEPHROTIC SYNDROME. Identifiers: Orphanet 2670, MedGen C1836876, MONDO:0012184, OMIM 609049.

Submission:

Labcorp Genetics (formerly Invitae), Labcorp
Classification: Uncertain significance for LAMB2-related infantile-onset nephrotic syndrome; Pierson syndrome. Last evaluated: 2022-03-19. Review status: criteria provided, single submitter. Criteria: Invitae Variant Classification Sherloc (09022015). Collection method: clinical testing. Allele origin: germline.
Comment: In summary, the available evidence is currently insufficient to determine the role of this variant in disease. Therefore, it has been classified as a Variant of Uncertain Significance. Algorithms developed to predict the effect of missense changes on protein structure and function are either unavailable or do not agree on the potential impact of this missense change (SIFT: "Deleterious"; PolyPhen-2: "Possibly Damaging"; Align-GVGD: "Class C15"). This variant has not been reported in the literature in individuals affected with LAMB2-related conditions. This variant is not present in population databases (gnomAD no frequency). This sequence change replaces glycine, which is neutral and non-polar, with valine, which is neutral and non-polar, at codon 1648 of the LAMB2 protein (p.Gly1648Val).